The following is an entry in ClinVar:

ClinVar aggregate classification (germline): Likely pathogenic (1 of 4 stars; one submission).

Submission:

CeGaT Center for Human Genetics Tuebingen
Classification: Likely pathogenic. Last evaluated: 2023-12-01. Review status: criteria provided, single submitter. Criteria: CeGaT Center For Human Genetics Tuebingen Variant Classification Criteria Version 2. Collection method: clinical testing. Allele origin: germline. Affected: yes. Observed: 1 variant allele.
Comment: TGIF1: PVS1:Strong, PM2

NM_003244.4(TGIF1):c.319C>T (p.Gln107Ter)

Gene: TGIF1 (TGFB induced factor homeobox 1; plus strand). Cytogenetic location: 18p11.31.
Variant type: single nucleotide variant.
Coding change: c.319C>T on transcript NM_003244.4 (MANE Select); coding-DNA position 319, C replaced by T.
Protein change: p.Gln107Ter; replaces glutamine 107 with a stop codon.
Molecular consequence: nonsense.
Genome position (GRCh38, 1-based): chr18:3,457,440, C>T. VCF-style: chr18-3457440-C-T. GRCh37 (hg19) VCF-style: chr18-3457438-C-T.
Other names: c.328C>T, p.Gln110Ter (NM_001278682.2); c.319C>T, p.Gln107Ter (NM_001278684.2, NM_173208.3); c.259C>T, p.Gln87Ter (NM_001278686.3, NM_001374396.1, NM_001374397.1 and 5 more transcripts); c.361C>T, p.Gln121Ter (NM_173207.4); short protein forms Q107*, Q110*, Q121*, Q87*.
Identifiers: ClinVar variation 3026744 (VCV003026744.22), dbSNP rs2510046143, ClinGen allele CA401723279.